The following is an entry in ClinVar:

ClinVar aggregate classification (germline): Likely benign (1 of 4 stars; one submission).

gnomAD v4.1: 2 of 1,496,652 alleles (0.00013%); highest among the groups gnomAD compares: Admixed American, 0.0024%; no homozygotes.

Submission:

Mayo Clinic Laboratories, Mayo Clinic
Classification: Likely benign. Last evaluated: 2024-12-20. Review status: criteria provided, single submitter. Criteria: ACMG Guidelines, 2015. Collection method: clinical testing. Allele origin: germline. Observed: 1 variant allele.
Comment: BP4, BP7, PM2_supporting

NM_198291.3(SRC):c.135C>T (p.Asp45=)

Gene: SRC (SRC proto-oncogene, non-receptor tyrosine kinase; plus strand). Cytogenetic location: 20q11.23.
Variant type: single nucleotide variant.
Coding change: c.135C>T on transcript NM_198291.3 (MANE Select); coding-DNA position 135, C replaced by T.
Protein change: p.Asp45=; no amino-acid change (aspartic acid 45 retained).
Molecular consequence: synonymous variant.
Genome position (GRCh38, 1-based): chr20:37,384,288, C>T. VCF-style: chr20-37384288-C-T. GRCh37 (hg19) VCF-style: chr20-36012691-C-T.
Other names: p.Asp45=; c.135C>T, p.Asp45= (NM_005417.5).
Identifiers: ClinVar variation 4684417 (VCV004684417.1).
Genomic context (GRCh38, chr20:37,384,288, plus strand): 5'-CGGCGCTGGCGGGGGCGCTTTCCCCGCCTCGCAGACCCCCAGCAAGCCAGCCTCGGCCGA[C>T]GGCCACCGCGGCCCCAGCGCGGCCTTCGCCCCCGCGGCCGCCGAGCCCAAGCTGTTCGGA-3'
Protein context (NP_938033.1, residues 35-55): SQTPSKPASA[Asp45=]GHRGPSAAFA